The following is an entry in ClinVar:

NM_004341.5(CAD):c.3309G>A (p.Thr1103=)

Gene: CAD (carbamoyl-phosphate synthetase 2, aspartate transcarbamylase, and dihydroorotase; plus strand). Cytogenetic location: 2p23.3.
Variant type: single nucleotide variant.
Coding change: c.3309G>A on transcript NM_004341.5 (MANE Select); coding-DNA position 3309, G replaced by A.
Protein change: p.Thr1103=; no amino-acid change (threonine 1103 retained).
Molecular consequence: synonymous variant.
Genome position (GRCh38, 1-based): chr2:27,233,718, G>A. VCF-style: chr2-27233718-G-A. GRCh37 (hg19) VCF-style: chr2-27456586-G-A.
Other names: c.3309G>A (NM_004341.3); c.3120G>A, p.Thr1040= (NM_001306079.2).
Identifiers: ClinVar variation 1667167 (VCV001667167.10), dbSNP rs771911380, ClinGen allele CA1573248.

ClinVar aggregate classification (germline): Conflicting classifications of pathogenicity. Review status: criteria provided, conflicting classifications (1 of 4 stars). 2 submissions from 2 submitters: Uncertain significance (1); Likely benign (1). Last evaluated 2026-03-09.

Allele frequency attached by ClinVar (database versions not stated): gnomAD 0.00009; gnomAD exomes 0.00009 and 0.00014; TOPMed 0.00010; ExAC 0.00012.
gnomAD v4.1: 148 of 1,614,052 alleles (0.0092%); highest among the groups gnomAD compares: Admixed American, 0.068%; no homozygotes.

Submissions (2):

GeneDx
Classification: Uncertain significance. Last evaluated: 2026-03-09. Review status: criteria provided, single submitter. Criteria: GeneDx Variant Classification Process June 2021. Collection method: clinical testing. Allele origin: germline.
Comment: In silico analysis suggests this variant may impact gene splicing. In the absence of RNA/functional studies, the actual effect of this sequence change is unknown.; Has not been previously published as pathogenic or benign to our knowledge

Labcorp Genetics (formerly Invitae), Labcorp
Classification: Likely benign. Last evaluated: 2026-01-27. Review status: criteria provided, single submitter. Criteria: Invitae Variant Classification Sherloc (09022015). Collection method: clinical testing. Allele origin: germline.